The following is an entry in ClinVar:

NM_016204.4(GDF2):c.1126G>T (p.Val376Leu)

Gene: GDF2 (growth differentiation factor 2; plus strand). Cytogenetic location: 10q11.22.
Variant type: single nucleotide variant.
Coding change: c.1126G>T on transcript NM_016204.4 (MANE Select); coding-DNA position 1126, G replaced by T.
Protein change: p.Val376Leu; replaces valine 376 with leucine.
Molecular consequence: missense variant.
Genome position (GRCh38, 1-based): chr10:47,325,620, G>T. VCF-style: chr10-47325620-G-T. GRCh37 (hg19) VCF-style: chr10-48413742-C-A.
Other names: short protein forms V376L.
Identifiers: ClinVar variation 4844438 (VCV004844438.1).

ClinVar aggregate classification (germline): Uncertain significance (1 of 4 stars; one submission).

Conditions:
Cardiovascular phenotype. Identifiers: MedGen CN230736.

gnomAD v4.1: 1 of 1,614,100 alleles (0.000062%); highest among the groups gnomAD compares: Middle Eastern, 0.016%; no homozygotes.

Submission:

Ambry Genetics
Classification: Uncertain significance for Cardiovascular phenotype. Last evaluated: 2026-01-24. Review status: criteria provided, single submitter. Criteria: Ambry Variant Classification Scheme 2023. Collection method: clinical testing. Allele origin: germline.
Comment: The p.V376L variant (also known as c.1126G>T), located in coding exon 2 of the GDF2 gene, results from a G to T substitution at nucleotide position 1126. The valine at codon 376 is replaced by leucine, an amino acid with highly similar properties. This amino acid position is conserved. Based on the available evidence, the clinical significance of this variant remains unclear.